The following is an entry in ClinVar:

NM_007294.4(BRCA1):c.1392_1393insG (p.Tyr465fs)

Gene: BRCA1 (BRCA1 DNA repair associated; minus strand). Cytogenetic location: 17q21.31.
Variant type: Insertion.
Coding change: c.1392_1393insG on transcript NM_007294.4 (MANE Select); coding-DNA positions 1392 to 1393, G inserted.
Protein change: p.Tyr465fs; shifts the reading frame from tyrosine 465.
Molecular consequence: frameshift variant. On other transcripts: intron variant (137).
Genome position: GRCh38 VCF-style: chr17-43094138-A-AC. GRCh37 (hg19) VCF-style: chr17-41246155-A-AC.
Other names: c.1311_1312insG, p.Tyr438fs (NM_001407659.1, NM_001407660.1, NM_001407661.1 and 1 more transcripts); c.1266_1267insG, p.Tyr423fs (NM_001407670.1, NM_001407671.1, NM_001407672.1 and 11 more transcripts); c.1269_1270insG, p.Tyr424fs (NM_001407674.1, NM_001407675.1, NM_001407676.1 and 19 more transcripts); c.1251_1252insG, p.Tyr418fs (NM_001407692.1, NM_001407694.1, NM_001407695.1 and 29 more transcripts); c.1248_1249insG, p.Tyr417fs (NM_001407740.1, NM_001407741.1, NM_001407838.1 and 20 more transcripts); c.1392_1393insG, p.Tyr465fs (NM_001407854.1, NM_001407858.1, NM_001407859.1 and 30 more transcripts); c.1389_1390insG, p.Tyr464fs (NM_001407860.1, NM_001407861.1, NM_001407587.1 and 22 more transcripts); c.1191_1192insG, p.Tyr398fs (NM_001407862.1); and 40 more; short protein forms Y465fs, Y418fs, Y297fs, Y394fs, Y397fs, Y424fs, Y438fs, Y462fs.
Identifiers: ClinVar variation 548181 (VCV000548181.2), dbSNP rs1555591814, ClinGen allele CA658824525.

ClinVar aggregate classification (germline): Pathogenic (3 of 4 stars; one submission).

Conditions:
Breast-ovarian cancer, familial, susceptibility to, 1 (BROVCA1). Also called: BRCA1 Hereditary Breast and Ovarian Cancer; OVARIAN CANCER, SUSCEPTIBILITY TO. Identifiers: Orphanet 145, MedGen C2676676, MONDO:0011450, OMIM 604370. Disease mechanism: loss of function.

Submission:

Evidence-based Network for the Interpretation of Germline Mutant Alleles (ENIGMA)
Classification: Pathogenic for Breast-ovarian cancer, familial, susceptibility to, 1. Last evaluated: 2017-12-15. Review status: reviewed by expert panel. Criteria: ENIGMA BRCA1/2 Classification Criteria (2017-06-29). Collection method: curation. Allele origin: germline. Study: ENIGMA.
Comment: Variant allele predicted to encode a truncated non-functional protein.